The following is an entry in ClinVar:

NM_000112.4(SLC26A2):c.1655C>A (p.Ser552Ter)

Gene: SLC26A2 (solute carrier family 26 member 2; plus strand). Cytogenetic location: 5q32.
Variant type: single nucleotide variant.
Coding change: c.1655C>A on transcript NM_000112.4 (MANE Select); coding-DNA position 1655, C replaced by A.
Protein change: p.Ser552Ter; replaces serine 552 with a stop codon.
Molecular consequence: nonsense.
Genome position (GRCh38, 1-based): chr5:149,981,248, C>A. VCF-style: chr5-149981248-C-A. GRCh37 (hg19) VCF-style: chr5-149360811-C-A.
Other names: short protein forms S552*.
Identifiers: ClinVar variation 928888 (VCV000928888.10), dbSNP rs1755094376, ClinGen allele CA361708329.

ClinVar aggregate classification (germline): Pathogenic/Likely pathogenic. Review status: criteria provided, multiple submitters, no conflicts (2 of 4 stars). 3 submissions from 3 submitters: Pathogenic (1); Likely pathogenic (2). Last evaluated 2023-11-21.

Conditions:
Multiple epiphyseal dysplasia type 4 (EDM4). Also called: Multiple Epiphyseal Dysplasia, Recessive; MULTIPLE EPIPHYSEAL DYSPLASIA WITH BILAYERED PATELLAE; MULTIPLE EPIPHYSEAL DYSPLASIA WITH CLUBFOOT; MULTIPLE EPIPHYSEAL DYSPLASIA, AUTOSOMAL RECESSIVE; SLC26A2-Related Multiple Epiphyseal Dysplasia. Identifiers: Orphanet 93307, MedGen C1847593, MONDO:0009189, OMIM 226900.
Atelosteogenesis type II (AO2). Also called: NEONATAL OSSEOUS DYSPLASIA I; SLC26A2-Related Atelosteogenesis; Neonatal osseous dysplasia 1. Identifiers: Orphanet 56304, MedGen C1850554, MONDO:0009727, OMIM 256050.
Diastrophic dysplasia (DTD). Also called: Diastrophic dwarfism. Identifiers: Orphanet 628, MedGen C0220726, MONDO:0009107, OMIM 222600.
Achondrogenesis, type IB (ACG1B). Also called: Achondrogenesis Type 1B. Identifiers: Orphanet 932, Orphanet 93298, MedGen C0265274, MONDO:0010966, OMIM 600972.
Sulfate transporter-related osteochondrodysplasia. Also called: DTDST-related dysplasias. Identifiers: MedGen CN120497. Disease mechanism: loss of function.

Submissions (3):

Baylor Genetics
Classification: Likely pathogenic for Achondrogenesis, type IB. Last evaluated: 2023-11-21. Review status: criteria provided, single submitter. Criteria: ACMG Guidelines, 2015. Collection method: clinical testing. Allele origin: unknown.

Labcorp Genetics (formerly Invitae), Labcorp
Classification: Pathogenic for Atelosteogenesis type II; Multiple epiphyseal dysplasia type 4; Achondrogenesis, type IB; Diastrophic dysplasia. Last evaluated: 2023-09-17. Review status: criteria provided, single submitter. Criteria: Invitae Variant Classification Sherloc (09022015). Collection method: clinical testing. Allele origin: germline.
Comment: This variant disrupts a region of the SLC26A2 protein in which other variant(s) (p.Thr689Serfs*22) have been determined to be pathogenic (Invitae). This suggests that this is a clinically significant region of the protein, and that variants that disrupt it are likely to be disease-causing. This sequence change creates a premature translational stop signal (p.Ser552*) in the SLC26A2 gene. While this is not anticipated to result in nonsense mediated decay, it is expected to disrupt the last 188 amino acid(s) of the SLC26A2 protein. This variant is not present in population databases (gnomAD no frequency). This variant has not been reported in the literature in individuals affected with SLC26A2-related conditions. ClinVar contains an entry for this variant (Variation ID: 928888). For these reasons, this variant has been classified as Pathogenic.

Women's Health and Genetics/Laboratory Corporation of America, LabCorp
Classification: Likely pathogenic for Osteochondrodysplasia. Last evaluated: 2019-05-10. Review status: criteria provided, single submitter. Criteria: LabCorp Variant Classification Summary - May 2015. Collection method: clinical testing. Allele origin: germline.
Comment: Variant summary: SLC26A2 c.1655C>A (p.Ser552X) results in a premature termination codon, predicted to cause a truncation of the encoded protein or absence of the protein due to nonsense mediated decay, which are commonly known mechanisms for disease. A truncation downstream of this position (c.1724delA (p.Lys575fsX10)) has been classified as pathogenic by our laboratory. The variant was absent in 250928 control chromosomes (gnomAD). To our knowledge, no occurrence of c.1655C>A in individuals affected with Sulfate Transporter-Related Osteochondrodysplasia and no experimental evidence demonstrating its impact on protein function have been reported. No clinical diagnostic laboratories have submitted clinical-significance assessments for this variant to ClinVar after 2014. Based on the evidence outlined above, the variant was classified as likely pathogenic.